The following is an entry in ClinVar:

ClinVar aggregate classification (germline): Benign. Review status: criteria provided, multiple submitters, no conflicts (2 of 4 stars). 13 submissions from 13 submitters: Benign (9). 4 of the submissions do not count toward it. Last evaluated 2026-02-04.

Conditions:
Wolcott-Rallison dysplasia. Also called: Wolcott-Rallison syndrome; MED-IDDM SYNDROME. Identifiers: Orphanet 1667, MedGen C0432217, MONDO:0009192, OMIM 226980.
Connective tissue disorder. Also called: Connective tissue disease. Identifiers: MedGen C0009782, MONDO:0003900.

Allele frequency attached by ClinVar (database versions not stated): gnomAD exomes 0.63187 and 0.65326; ExAC 0.63792; 1000 Genomes Project 0.64896; 1000 Genomes Project 30x 0.65615; gnomAD 0.70332 and 0.71334; TOPMed 0.71456; ESP Exome Variant Server 0.73474.
gnomAD v4.1: 1,061,976 of 1,613,308 alleles (66%); highest among the groups gnomAD compares: African/African-American, 87%; 353,757 homozygotes.

Submissions (13):

Labcorp Genetics (formerly Invitae), Labcorp
Classification: Benign. Last evaluated: 2026-02-04. Review status: criteria provided, single submitter. Criteria: Invitae Variant Classification Sherloc (09022015). Collection method: clinical testing. Allele origin: germline.

Blueprint Genetics
Classification: Benign. Last evaluated: 2024-11-26. Review status: criteria provided, single submitter. Criteria: ACMG Guidelines, 2015. Collection method: clinical testing. Allele origin: germline.

Genome Diagnostics Laboratory, The Hospital for Sick Children
Classification: Benign for Connective tissue disorder. Last evaluated: 2022-07-18. Review status: criteria provided, single submitter. Criteria: ACMG Guidelines, 2015. Collection method: clinical testing. Allele origin: germline.

Genome-Nilou Lab
Classification: Benign for Wolcott-Rallison dysplasia. Last evaluated: 2021-07-30. Review status: criteria provided, single submitter. Criteria: ACMG Guidelines, 2015. Collection method: clinical testing. Allele origin: germline. Affected: no.

Mendelics
Classification: Benign for Wolcott-Rallison dysplasia. Last evaluated: 2019-05-28. Review status: criteria provided, single submitter. Criteria: Mendelics Assertion Criteria 2017. Collection method: clinical testing. Allele origin: unknown.

GeneDx
Classification: Benign. Last evaluated: 2018-11-11. Review status: criteria provided, single submitter. Criteria: GeneDx Variant Classification Process June 2021. Collection method: clinical testing. Allele origin: germline. Affected: yes.
Comment: This variant is associated with the following publications: (PMID: 24032041)

Illumina Laboratory Services, Illumina
Classification: Benign for Wolcott-Rallison dysplasia. Last evaluated: 2018-01-13. Review status: criteria provided, single submitter. Criteria: ICSL Variant Classification Criteria 13 December 2019. Collection method: clinical testing. Allele origin: germline.
Comment: This variant was observed in the ICSL laboratory as part of a predisposition screen in an ostensibly healthy population. It had not been previously curated by ICSL or reported in the Human Gene Mutation Database (HGMD: prior to June 1st, 2018), and was therefore a candidate for classification through an automated scoring system. Utilizing variant allele frequency, disease prevalence and penetrance estimates, and inheritance mode, an automated score was calculated to assess if this variant is too frequent to cause the disease. Based on the score and internal cut-off values, a variant classified as benign is not then subjected to further curation. The score for this variant resulted in a classification of benign for this disease.

Eurofins Ntd Llc (ga)
Classification: Benign. Last evaluated: 2015-01-21. Review status: criteria provided, single submitter. Criteria: EGL Classification Definitions 2015. Collection method: clinical testing. Allele origin: germline. Observed: 1 variant allele, 1 heterozygote.

Breakthrough Genomics
Classification: Benign. Review status: criteria provided, single submitter. Criteria: ACMG Guidelines, 2015. Collection method: not provided. Allele origin: germline. Inheritance: Autosomal recessive inheritance. Affected: yes.

Clinical Genetics DNA and cytogenetics Diagnostics Lab, Erasmus MC, Erasmus Medical Center
Classification: Benign. Review status: no assertion criteria provided. Collection method: clinical testing. Allele origin: germline. Affected: yes. Study: VKGL Data-share Consensus. Not counted in ClinVar's aggregate classification.

Diagnostic Laboratory, Department of Genetics, University Medical Center Groningen
Classification: Benign for Wolcott-Rallison dysplasia. Review status: no assertion criteria provided. Collection method: clinical testing. Allele origin: germline. Affected: yes. Study: VKGL Data-share Consensus. Not counted in ClinVar's aggregate classification.

Genetic Services Laboratory, University of Chicago
Classification: Likely benign for AllHighlyPenetrant. Review status: no assertion criteria provided. Collection method: clinical testing. Allele origin: germline. Inheritance: Autosomal recessive inheritance. Not counted in ClinVar's aggregate classification.
Comment: Likely benign based on allele frequency in 1000 Genomes Project or ESP global frequency and its presence in a patient with a rare or unrelated disease phenotype. NOT Sanger confirmed.

Genome Diagnostics Laboratory, University Medical Center Utrecht
Classification: Benign. Review status: no assertion criteria provided. Collection method: clinical testing. Allele origin: germline. Affected: yes. Study: VKGL Data-share Consensus. Not counted in ClinVar's aggregate classification.

NM_004836.7(EIF2AK3):c.497A>G (p.Gln166Arg)

Gene: EIF2AK3 (eukaryotic translation initiation factor 2 alpha kinase 3; minus strand). Cytogenetic location: 2p11.2.
Variant type: single nucleotide variant.
Coding change: c.497A>G on transcript NM_004836.7 (MANE Select); coding-DNA position 497, A replaced by G.
Protein change: p.Gln166Arg; replaces glutamine 166 with arginine.
Molecular consequence: missense variant.
Genome position (GRCh38, 1-based): chr2:88,595,605, T>C on the plus strand (A>G on the coding strand, the complement: EIF2AK3 is on the minus strand). VCF-style: chr2-88595605-T-C. GRCh37 (hg19) VCF-style: chr2-88895123-T-C.
Other names: c.497A>G (NM_004836.6); c.44A>G, p.Gln15Arg (NM_001313915.2); short protein forms Q166R, Q15R.
Identifiers: ClinVar variation 128988 (VCV000128988.32), dbSNP rs13045, ClinGen allele CA152717.